The following is an entry in ClinVar:

NM_016519.6(AMBN):c.281A>G (p.His94Arg)

Gene: AMBN (ameloblastin; plus strand). Cytogenetic location: 4q13.3.
Variant type: single nucleotide variant.
Coding change: c.281A>G on transcript NM_016519.6 (MANE Select); coding-DNA position 281, A replaced by G.
Protein change: p.His94Arg; replaces histidine 94 with arginine.
Molecular consequence: missense variant.
Genome position (GRCh38, 1-based): chr4:70,599,633, A>G. VCF-style: chr4-70599633-A-G. GRCh37 (hg19) VCF-style: chr4-71465350-A-G.
Other names: short protein forms H94R.
Identifiers: ClinVar variation 1025625 (VCV001025625.8), dbSNP rs866630412, ClinGen allele CA357136461.

ClinVar aggregate classification (germline): Uncertain significance (1 of 4 stars; one submission).

Allele frequency attached by ClinVar (database versions not stated): gnomAD exomes below 0.00001 and 0.00001.

Submission:

Labcorp Genetics (formerly Invitae), Labcorp
Classification: Uncertain significance. Last evaluated: 2017-08-24. Review status: criteria provided, single submitter. Criteria: Invitae Variant Classification Sherloc (09022015). Collection method: clinical testing. Allele origin: germline.
Comment: This sequence change replaces histidine with arginine at codon 94 of the AMBN protein (p.His94Arg). The histidine residue is highly conserved and there is a small physicochemical difference between histidine and arginine. This variant is not present in population databases (ExAC no frequency). This variant has not been reported in the literature in individuals with AMBN-related disease. Algorithms developed to predict the effect of missense changes on protein structure and function do not agree on the potential impact of this missense change (SIFT: "Tolerated"; PolyPhen-2: "Probably Damaging"; Align-GVGD: "Class C0"). In summary, the available evidence is currently insufficient to determine the role of this variant in disease. Therefore, it has been classified as a Variant of Uncertain Significance.